The following is an entry in ClinVar:

NM_001083961.2(WDR62):c.4153G>A (p.Gly1385Ser)

Gene: WDR62 (WD repeat domain 62; plus strand). Cytogenetic location: 19q13.12.
Variant type: single nucleotide variant.
Coding change: c.4153G>A on transcript NM_001083961.2 (MANE Select); coding-DNA position 4153, G replaced by A.
Protein change: p.Gly1385Ser; replaces glycine 1385 with serine.
Molecular consequence: missense variant.
Genome position (GRCh38, 1-based): chr19:36,103,981, G>A. VCF-style: chr19-36103981-G-A. GRCh37 (hg19) VCF-style: chr19-36594883-G-A.
Other names: c.4138G>A, p.Gly1380Ser (NM_173636.5); short protein forms G1385S, G1380S.
Identifiers: ClinVar variation 437284 (VCV000437284.9), dbSNP rs764128952, ClinGen allele CA9396476.

ClinVar aggregate classification (germline): Uncertain significance. Review status: criteria provided, multiple submitters, no conflicts (2 of 4 stars). 2 submissions from 2 submitters: Uncertain significance (2). Last evaluated 2022-09-12.

Allele frequency attached by ClinVar (database versions not stated): gnomAD exomes 0.00002 and 0.00004; TOPMed 0.00003; gnomAD 0.00001; ExAC 0.00002.
gnomAD v4.1: 30 of 1,597,492 alleles (0.0019%); highest among the groups gnomAD compares: Admixed American, 0.0083%; no homozygotes.

Submissions (2):

GeneDx
Classification: Uncertain significance. Last evaluated: 2022-09-12. Review status: criteria provided, single submitter. Criteria: GeneDx Variant Classification Process June 2021. Collection method: clinical testing. Allele origin: germline. Affected: yes.
Comment: Not observed at significant frequency in large population cohorts (gnomAD); In silico analysis supports that this missense variant does not alter protein structure/function; Has not been previously published as pathogenic or benign to our knowledge

Genetic Services Laboratory, University of Chicago
Classification: Uncertain significance. Last evaluated: 2016-03-14. Review status: criteria provided, single submitter. Criteria: ACMG Guidelines, 2015. Collection method: clinical testing. Allele origin: germline. Affected: no.